The following is an entry in ClinVar:

NM_001267550.2(TTN):c.97405_97408del (p.Glu32469fs)

Genes: TTN (titin; minus strand), TTN-AS1 (TTN antisense RNA 1; plus strand). Cytogenetic location: 2q31.2.
Variant type: Deletion.
Coding change: c.97405_97408del on transcript NM_001267550.2 (MANE Select); coding-DNA positions 97405 to 97408, 4 bases deleted (GAGT; older notation c.97405_97408delGAGT).
Protein change: p.Glu32469fs; shifts the reading frame from glutamic acid 32469.
Molecular consequence: frameshift variant. On other transcripts: non-coding transcript variant (1).
Genome position (GRCh38, 1-based): chr2:178,542,348-178,542,351, ACTC deleted on the plus strand (GAGT on the coding strand, the reverse complement: TTN is on the minus strand); deleting any 4 consecutive bases within chr2:178,542,348-178,542,352 gives the same sequence; the c. name uses the placement nearest the transcript's 3' end. VCF-style (leftmost placement, unchanged base first): chr2-178542347-TACTC-T. GRCh37 (hg19) VCF-style: chr2-179407074-TACTC-T.
Other names: c.70210_70213delGAGT (NM_003319.4); c.92482_92485del, p.Glu30828fs (NM_001256850.1); c.70210_70213del, p.Glu23404fs (NM_003319.4); c.89701_89704del, p.Glu29901fs (NM_133378.4); c.70585_70588del, p.Glu23529fs (NM_133432.3); c.70786_70789del, p.Glu23596fs (NM_133437.4); short protein forms E32469fs, E23404fs, E23529fs, E23596fs, E30828fs, E29901fs.
Identifiers: ClinVar variation 1756727 (VCV001756727.4), dbSNP rs2468887529, ClinGen allele CA2580064575.

ClinVar aggregate classification (germline): Likely pathogenic. Review status: criteria provided, multiple submitters, no conflicts (2 of 4 stars). 2 submissions from 2 submitters: Likely pathogenic (2). Last evaluated 2025-12-15.

Conditions:
Cardiovascular phenotype. Identifiers: MedGen CN230736.
Primary dilated cardiomyopathy (DCM). Also called: Dilated Cardiomyopathy. Identifiers: Orphanet 217604, MedGen C0007193, MeSH D002311, MONDO:0005021, HP:0001644. Inheritance: Various modes of inheritance.

Submissions (2):

Ambry Genetics
Classification: Likely pathogenic for Cardiovascular phenotype. Last evaluated: 2025-12-15. Review status: criteria provided, single submitter. Criteria: Ambry Variant Classification Scheme 2023. Collection method: clinical testing. Allele origin: germline.
Comment: The c.70210_70213delGAGT variant, located in coding exon 176 of the TTN gene, results from a deletion of 4 nucleotides at nucleotide positions 70210 to 70213, causing a translational frameshift with a predicted alternate stop codon (p.E23404Mfs*22). This exon is located in the A-band region of the N2-B isoform of the titin protein and is constitutively expressed in TTN transcripts (percent spliced in or PSI 100%). This variant is expected to result in loss of function by premature protein truncation or nonsense-mediated mRNA decay. While truncating variants in TTN are present in 1-3% of the general population, truncating variants in the A-band are the most common cause of dilated cardiomyopathy (Herman DS et al. N. Engl. J. Med., 2012 Feb;366:619-28; Roberts AM et al. Sci Transl Med, 2015 Jan;7:270ra6). TTN truncating variants encoded in constitutive exons (PSI >90%) have been found to be significantly associated with DCM regardless of their position in titin (Schafer S et al. Nat. Genet., 2017 01;49:46-53; Akhtar MM et al. Circ Heart Fail, 2020 Oct;13:e006832; Massier M et al. Clin Genet, 2025 Jan). This variant is considered to be rare based on population cohorts in the Genome Aggregation Database (gnomAD). Based on the majority of available evidence to date, this variant is likely to be pathogenic.

Illumina Laboratory Services, Illumina
Classification: Likely pathogenic for Primary dilated cardiomyopathy. Last evaluated: 2024-02-07. Review status: criteria provided, single submitter. Criteria: ICSLVariantClassificationCriteria RUGD 01 April 2020. Collection method: clinical testing. Allele origin: unknown.
Comment: The TTN c.97405_97410delinsAC p.(Glu32469ThrfsTer22) variant causes a shift in the protein reading frame that is predicted to result in premature termination of the protein. Loss of normal protein function through nonsense-mediated mRNA decay is expected. This variant is located in exon 349 of the meta transcript of titin within the A-band, which is highly expressed in cardiac tissue (PMID: 25589632). In a meta-analysis of TTN truncating variants in dilated cardiomyopathy patients and controls, variants in this region were associated with a significantly increased risk of developing dilated cardiomyopathy (odds ratio 49.8) (PMID: 27869827). This variant is not observed in version 2.1.1 or version 4.0.0 of the Genome Aggregation Database. Based on the available evidence, the c.97405_97410delinsAC p.(Glu32469ThrfsTer22) variant is classified as likely pathogenic for dilated cardiomyopathy.

Literature cited by the submitters: PubMed 25589632 (cited by Illumina Laboratory Services, Illumina); PubMed 27869827 (cited by Illumina Laboratory Services, Illumina).